The following is an entry in ClinVar:

ClinVar aggregate classification (germline): Uncertain significance (1 of 4 stars; one submission).

Allele frequency attached by ClinVar (database versions not stated): ExAC 0.00001.
gnomAD v4.1: 2 of 1,614,146 alleles (0.00012%); highest among the groups gnomAD compares: Non-Finnish European, 0.000085%; no homozygotes.

Submission:

Labcorp Genetics (formerly Invitae), Labcorp
Classification: Uncertain significance. Last evaluated: 2022-04-09. Review status: criteria provided, single submitter. Criteria: Invitae Variant Classification Sherloc (09022015). Collection method: clinical testing. Allele origin: germline.
Comment: This variant is present in population databases (rs767851012, gnomAD 0.006%). In summary, the available evidence is currently insufficient to determine the role of this variant in disease. Therefore, it has been classified as a Variant of Uncertain Significance. Algorithms developed to predict the effect of missense changes on protein structure and function (SIFT, PolyPhen-2, Align-GVGD) all suggest that this variant is likely to be disruptive. This variant has not been reported in the literature in individuals affected with AK7-related conditions. This sequence change replaces arginine, which is basic and polar, with glutamine, which is neutral and polar, at codon 561 of the AK7 protein (p.Arg561Gln).

NM_152327.5(AK7):c.1682G>A (p.Arg561Gln)

Gene: AK7 (adenylate kinase 7; plus strand). Cytogenetic location: 14q32.2.
Variant type: single nucleotide variant.
Coding change: c.1682G>A on transcript NM_152327.5 (MANE Select); coding-DNA position 1682, G replaced by A.
Protein change: p.Arg561Gln; replaces arginine 561 with glutamine.
Molecular consequence: missense variant.
Genome position (GRCh38, 1-based): chr14:96,478,591, G>A. VCF-style: chr14-96478591-G-A. GRCh37 (hg19) VCF-style: chr14-96944928-G-A.
Other names: c.1613G>A, p.Arg538Gln (NM_001350888.2, NM_001350890.2); c.1604G>A, p.Arg535Gln (NM_001350891.2); c.1484G>A, p.Arg495Gln (NM_001350892.2); short protein forms R495Q, R535Q, R538Q, R561Q.
Identifiers: ClinVar variation 2058802 (VCV002058802.4), dbSNP rs767851012, ClinGen allele CA7337922.